The following is an entry in ClinVar:

ClinVar aggregate classification (germline): Uncertain significance. Review status: criteria provided, multiple submitters, no conflicts (2 of 4 stars). 3 submissions from 3 submitters: Uncertain significance (3). Last evaluated 2025-05-16.

Conditions:
Inborn genetic diseases. Identifiers: MedGen C0950123, MeSH D030342.
Pseudoxanthoma elasticum, forme fruste. Also called: Pseudoxanthoma Elasticum, Incomplete; PSEUDOXANTHOMA ELASTICUM, HETEROZYGOUS. Identifiers: Orphanet 758, MedGen C1867450, MONDO:0008333, OMIM 177850.
Arterial calcification, generalized, of infancy, 2. Identifiers: Orphanet 51608, MedGen C3276161, MONDO:0013768, OMIM 614473.
Autosomal recessive inherited pseudoxanthoma elasticum (PXE). Identifiers: Orphanet 758, MedGen CN032334, MONDO:0009925, OMIM 264800.

Allele frequency attached by ClinVar (database versions not stated): gnomAD 0.00001; TOPMed 0.00001; gnomAD exomes 0.00001.
gnomAD v4.1: 8 of 1,614,040 alleles (0.0005%); highest among the groups gnomAD compares: Admixed American, 0.013%; no homozygotes.

Submissions (3):

Ambry Genetics
Classification: Uncertain significance for Inborn genetic diseases. Last evaluated: 2025-05-16. Review status: criteria provided, single submitter. Criteria: Ambry Variant Classification Scheme 2023. Collection method: clinical testing. Allele origin: germline.

Fulgent Genetics
Classification: Uncertain significance for Pseudoxanthoma elasticum, forme fruste; Autosomal recessive inherited pseudoxanthoma elasticum; Arterial calcification, generalized, of infancy, 2. Last evaluated: 2024-02-15. Review status: criteria provided, single submitter. Criteria: ACMG Guidelines, 2015. Collection method: clinical testing. Allele origin: germline.

Labcorp Genetics (formerly Invitae), Labcorp
Classification: Uncertain significance. Last evaluated: 2021-08-19. Review status: criteria provided, single submitter. Criteria: Invitae Variant Classification Sherloc (09022015). Collection method: clinical testing. Allele origin: germline.
Comment: This sequence change replaces alanine with threonine at codon 488 of the ABCC6 protein (p.Ala488Thr). The alanine residue is weakly conserved and there is a small physicochemical difference between alanine and threonine. This variant is not present in population databases (ExAC no frequency). This variant has not been reported in the literature in individuals affected with ABCC6-related conditions. Advanced modeling of protein sequence and biophysical properties (such as structural, functional, and spatial information, amino acid conservation, physicochemical variation, residue mobility, and thermodynamic stability) performed at Invitae indicates that this missense variant is not expected to disrupt ABCC6 protein function. In summary, the available evidence is currently insufficient to determine the role of this variant in disease. Therefore, it has been classified as a Variant of Uncertain Significance.

NM_001171.6(ABCC6):c.1462G>A (p.Ala488Thr)

Gene: ABCC6 (ATP binding cassette subfamily C member 6; minus strand). Cytogenetic location: 16p13.11.
Variant type: single nucleotide variant.
Coding change: c.1462G>A on transcript NM_001171.6 (MANE Select); coding-DNA position 1462, G replaced by A.
Protein change: p.Ala488Thr; replaces alanine 488 with threonine.
Molecular consequence: missense variant. On other transcripts: non-coding transcript variant (1).
Genome position (GRCh38, 1-based): chr16:16,190,337, C>T on the plus strand (G>A on the coding strand, the complement: ABCC6 is on the minus strand). VCF-style: chr16-16190337-C-T. GRCh37 (hg19) VCF-style: chr16-16284194-C-T.
Other names: c.1120G>A, p.Ala374Thr (NM_001351800.1); c.1462G>A (NM_001171.5); short protein forms A374T, A488T.
Identifiers: ClinVar variation 1896948 (VCV001896948.4), dbSNP rs1356010293, ClinGen allele CA394889863.
Genomic context (GRCh38, chr16:16,190,337, plus strand): 5'-CCTCCCAGCCATGGAACTTGATGGTCTTCGAGTTCCTGAGGATAGAGCTGGTGAGCCGTG[C>T]CCGTGAGTCCTTCTGCCTCATTTGCTCCTCCTGGGATCGGAGGGAAAAAGAGAGATGAAG-3'
Protein context (NP_001162.5, residues 478-498): EEQMRQKDSR[Ala488Thr]RLTSSILRNS